The following is an entry in ClinVar:

NM_000081.4(LYST):c.8435G>T (p.Gly2812Val)

Gene: LYST (lysosomal trafficking regulator; minus strand). Cytogenetic location: 1q42.3.
Variant type: single nucleotide variant.
Coding change: c.8435G>T on transcript NM_000081.4 (MANE Select); coding-DNA position 8435, G replaced by T.
Protein change: p.Gly2812Val; replaces glycine 2812 with valine.
Molecular consequence: missense variant.
Genome position (GRCh38, 1-based): chr1:235,734,583, C>A on the plus strand (G>T on the coding strand, the complement: LYST is on the minus strand). VCF-style: chr1-235734583-C-A. GRCh37 (hg19) VCF-style: chr1-235897883-C-A.
Other names: c.8435G>T, p.Gly2812Val (NM_001301365.1); short protein forms G2812V.
Identifiers: ClinVar variation 2091858 (VCV002091858.2), dbSNP rs1252973559, ClinGen allele CA344921012.

ClinVar aggregate classification (germline): Uncertain significance. Review status: criteria provided, multiple submitters, no conflicts (2 of 4 stars). 2 submissions from 2 submitters: Uncertain significance (2). Last evaluated 2022-08-22.

Conditions:
Chédiak-Higashi syndrome (CHS). Also called: Chediak-Higashi Syndrome. Identifiers: Orphanet 167, MedGen C0007965, MONDO:0008963, OMIM 214500.

Allele frequency attached by ClinVar (database versions not stated): gnomAD exomes below 0.00001.
gnomAD v4.1: 1 of 1,613,200 alleles (0.000062%); highest among the groups gnomAD compares: South Asian, 0.0011%; no homozygotes.

Submissions (2):

Labcorp Genetics (formerly Invitae), Labcorp
Classification: Uncertain significance for Chédiak-Higashi syndrome. Last evaluated: 2022-08-22. Review status: criteria provided, single submitter. Criteria: Invitae Variant Classification Sherloc (09022015). Collection method: clinical testing. Allele origin: germline.
Comment: This sequence change replaces glycine, which is neutral and non-polar, with valine, which is neutral and non-polar, at codon 2812 of the LYST protein (p.Gly2812Val). This variant is not present in population databases (gnomAD no frequency). This variant has not been reported in the literature in individuals affected with LYST-related conditions. Algorithms developed to predict the effect of missense changes on protein structure and function (SIFT, PolyPhen-2, Align-GVGD) all suggest that this variant is likely to be tolerated. In summary, the available evidence is currently insufficient to determine the role of this variant in disease. Therefore, it has been classified as a Variant of Uncertain Significance.

Breakthrough Genomics
Classification: Uncertain significance. Review status: criteria provided, single submitter. Criteria: ACMG Guidelines, 2015. Collection method: not provided. Allele origin: germline. Inheritance: Autosomal recessive inheritance. Affected: yes.